The following is an entry in ClinVar:

ClinVar aggregate classification (germline): Benign/Likely benign. Review status: criteria provided, multiple submitters, no conflicts (2 of 4 stars). 4 submissions from 4 submitters: Benign (1); Likely benign (2). 1 of the submissions does not count toward it. Last evaluated 2025-09-24.

Conditions:
SELENON-related disorder. Also called: SELENON-related condition.
Eichsfeld type congenital muscular dystrophy (CMYO3). Also called: Rigid spine muscular dystrophy 1; MYOPATHY, SEPN1-RELATED; SELENON-related myopathy; Congenital myopathy 3 with rigid spine. Identifiers: MedGen C0410180, MONDO:0100100, OMIM 602771.

Allele frequency attached by ClinVar (database versions not stated): gnomAD exomes 0.00003 and 0.00018; gnomAD 0.00004 and 0.00005; TOPMed 0.00008; ExAC 0.00018; 1000 Genomes Project 0.00040; 1000 Genomes Project 30x 0.00047.
gnomAD v4.1: 65 of 1,614,198 alleles (0.004%); highest among the groups gnomAD compares: East Asian, 0.1%; no homozygotes.

Submissions (4):

Labcorp Genetics (formerly Invitae), Labcorp
Classification: Benign for Eichsfeld type congenital muscular dystrophy. Last evaluated: 2025-09-24. Review status: criteria provided, single submitter. Criteria: Invitae Variant Classification Sherloc (09022015). Collection method: clinical testing. Allele origin: germline.

Blueprint Genetics
Classification: Likely benign. Last evaluated: 2024-11-20. Review status: criteria provided, single submitter. Criteria: ACMG Guidelines, 2015. Collection method: clinical testing. Allele origin: germline.

GeneDx
Classification: Likely benign. Last evaluated: 2016-10-27. Review status: criteria provided, single submitter. Criteria: GeneDx Variant Classification (06012015). Collection method: clinical testing. Allele origin: germline. Affected: yes.
Comment: This variant is considered likely benign or benign based on one or more of the following criteria: it is a conservative change, it occurs at a poorly conserved position in the protein, it is predicted to be benign by multiple in silico algorithms, and/or has population frequency not consistent with disease.

PreventionGenetics, part of Exact Sciences
Classification: Likely benign for SELENON-related condition. Last evaluated: 2019-08-15. Review status: no assertion criteria provided. Collection method: clinical testing. Allele origin: germline. Not counted in ClinVar's aggregate classification.
Comment: This variant is classified as likely benign based on ACMG/AMP sequence variant interpretation guidelines (Richards et al. 2015 PMID: 25741868, with internal and published modifications).

NM_206926.2(SELENON):c.1353C>T (p.Ser451=)

Gene: SELENON (selenoprotein N; plus strand). Cytogenetic location: 1p36.11.
Variant type: single nucleotide variant.
Coding change: c.1353C>T on transcript NM_206926.2 (MANE Select); coding-DNA position 1353, C replaced by T.
Protein change: p.Ser451=; no amino-acid change (serine 451 retained).
Molecular consequence: synonymous variant.
Genome position (GRCh38, 1-based): chr1:25,813,948, C>T. VCF-style: chr1-25813948-C-T. GRCh37 (hg19) VCF-style: chr1-26140439-C-T.
Other names: c.1455C>T, p.Ser485= (NM_020451.3).
Identifiers: ClinVar variation 389945 (VCV000389945.14), dbSNP rs575407217, ClinGen allele CA696883.